The following is an entry in ClinVar:

ClinVar aggregate classification (germline): Uncertain significance. Review status: criteria provided, multiple submitters, no conflicts (2 of 4 stars). 2 submissions from 2 submitters: Uncertain significance (2). Last evaluated 2023-12-26.

Allele frequency attached by ClinVar (database versions not stated): TOPMed 0.00002.

Submissions (2):

Ambry Genetics
Classification: Uncertain significance. Last evaluated: 2023-12-26. Review status: criteria provided, single submitter. Criteria: Ambry Variant Classification Scheme 2023. Collection method: clinical testing. Allele origin: germline.

Labcorp Genetics (formerly Invitae), Labcorp
Classification: Uncertain significance. Last evaluated: 2022-08-03. Review status: criteria provided, single submitter. Criteria: Invitae Variant Classification Sherloc (09022015). Collection method: clinical testing. Allele origin: germline.
Comment: In summary, the available evidence is currently insufficient to determine the role of this variant in disease. Therefore, it has been classified as a Variant of Uncertain Significance. Algorithms developed to predict the effect of missense changes on protein structure and function are either unavailable or do not agree on the potential impact of this missense change (SIFT: "Deleterious"; PolyPhen-2: "Probably Damaging"; Align-GVGD: "Class C0"). This variant has not been reported in the literature in individuals affected with SCP2-related conditions. This sequence change replaces alanine, which is neutral and non-polar, with aspartic acid, which is acidic and polar, at codon 545 of the SCP2 protein (p.Ala545Asp). This variant is not present in population databases (gnomAD no frequency).

NM_002979.5(SCP2):c.1634C>A (p.Ala545Asp)

Gene: SCP2 (sterol carrier protein 2; plus strand). Cytogenetic location: 1p32.3.
Variant type: single nucleotide variant.
Coding change: c.1634C>A on transcript NM_002979.5 (MANE Select); coding-DNA position 1634, C replaced by A.
Protein change: p.Ala545Asp; replaces alanine 545 with aspartic acid.
Molecular consequence: missense variant. On other transcripts: 3 prime UTR variant (1).
Genome position (GRCh38, 1-based): chr1:53,050,694, C>A. VCF-style: chr1-53050694-C-A. GRCh37 (hg19) VCF-style: chr1-53516366-C-A.
Other names: c.422C>A, p.Ala141Asp (NM_001007099.3); c.413C>A, p.Ala138Asp (NM_001007100.3); c.*112C>A (NM_001007250.3); c.1562C>A, p.Ala521Asp (NM_001193599.2); c.1502C>A, p.Ala501Asp (NM_001193600.2); c.1391C>A, p.Ala464Asp (NM_001193617.2); c.1634C>A (NM_002979.4); short protein forms A138D, A501D, A141D, A464D, A521D, A545D.
Identifiers: ClinVar variation 1998136 (VCV001998136.5), dbSNP rs887096881, ClinGen allele CA22583990.
Genomic context (GRCh38, chr1:53,050,694, plus strand): 5'-TCACTGGCAACATGGGTCTCGCTATGAAGTTACAAAATCTTCAGCTTCAGCCAGGCAACG[C>A]TAAGCTCTGAAGAACTCCCTTTGGCTACTTTTGAAAATCAAGATGAGATATATAGATATA-3'
Protein context (NP_002970.2, residues 535-547): LQNLQLQPGN[Ala545Asp]KL